The following is an entry in ClinVar:

NM_138420.4(AHNAK2):c.7992C>T (p.Gly2664=)

Gene: AHNAK2 (AHNAK nucleoprotein 2; minus strand). Cytogenetic location: 14q32.33.
Variant type: single nucleotide variant.
Coding change: c.7992C>T on transcript NM_138420.4 (MANE Select); coding-DNA position 7992, C replaced by T.
Protein change: p.Gly2664=; no amino-acid change (glycine 2664 retained).
Molecular consequence: synonymous variant.
Genome position (GRCh38, 1-based): chr14:104,947,459, G>A on the plus strand (C>T on the coding strand, the complement: AHNAK2 is on the minus strand). VCF-style: chr14-104947459-G-A. GRCh37 (hg19) VCF-style: chr14-105413796-G-A.
Other names: c.7692C>T, p.Gly2564= (NM_001350929.2).
Identifiers: ClinVar variation 2644714 (VCV002644714.24), dbSNP rs201024842, ClinGen allele CA7380300.

ClinVar aggregate classification (germline): Likely benign (1 of 4 stars; one submission).

Allele frequency attached by ClinVar (database versions not stated): ESP Exome Variant Server 0.00008; gnomAD exomes 0.00025; ExAC 0.00026; gnomAD 0.00029.
gnomAD v4.1: 398 of 1,612,466 alleles (0.025%); highest among the groups gnomAD compares: Non-Finnish European, 0.031%; 2 homozygotes.

Submission:

CeGaT Center for Human Genetics Tuebingen
Classification: Likely benign. Last evaluated: 2023-07-01. Review status: criteria provided, single submitter. Criteria: CeGaT Center For Human Genetics Tuebingen Variant Classification Criteria Version 2. Collection method: clinical testing. Allele origin: germline. Affected: yes. Observed: 1 variant allele.
Comment: AHNAK2: BP4, BP7